The following is an entry in ClinVar:

ClinVar aggregate classification (germline): Likely benign (1 of 4 stars; one submission).

Allele frequency attached by ClinVar (database versions not stated): gnomAD 0.00001; gnomAD exomes 0.00001; TOPMed 0.00001; ExAC 0.00002; ESP Exome Variant Server 0.00008.
gnomAD v4.1: 14 of 1,613,776 alleles (0.00087%); highest among the groups gnomAD compares: Non-Finnish European, 0.00093%; no homozygotes.

Submission:

CeGaT Center for Human Genetics Tuebingen
Classification: Likely benign. Last evaluated: 2022-06-01. Review status: criteria provided, single submitter. Criteria: CeGaT Center For Human Genetics Tuebingen Variant Classification Criteria Version 2. Collection method: clinical testing. Allele origin: germline. Affected: yes. Observed: 1 variant allele.
Comment: RAP1GAP: BP4, BP7

NM_002885.4(RAP1GAP):c.1803C>T (p.Pro601=)

Gene: RAP1GAP (RAP1 GTPase activating protein; minus strand). Cytogenetic location: 1p36.12.
Variant type: single nucleotide variant.
Coding change: c.1803C>T on transcript NM_002885.4 (MANE Select); coding-DNA position 1803, C replaced by T.
Protein change: p.Pro601=; no amino-acid change (proline 601 retained).
Molecular consequence: synonymous variant. On other transcripts: non-coding transcript variant (27).
Genome position (GRCh38, 1-based): chr1:21,598,476, G>A on the plus strand (C>T on the coding strand, the complement: RAP1GAP is on the minus strand). VCF-style: chr1-21598476-G-A. GRCh37 (hg19) VCF-style: chr1-21924969-G-A.
Other names: c.1923C>T, p.Pro641= (NM_001388218.1); c.1605C>T, p.Pro535= (NM_001388219.1); c.1881C>T, p.Pro627= (NM_001388220.1, NM_001388221.1, NM_001388222.1 and 15 more transcripts); c.1854C>T, p.Pro618= (NM_001388231.1); c.1842C>T, p.Pro614= (NM_001388233.1); c.1830C>T, p.Pro610= (NM_001388234.1, NM_001388235.1); c.1803C>T, p.Pro601= (NM_001388236.1, NM_001388237.1, NM_001388238.1 and 18 more transcripts); c.1797C>T, p.Pro599= (NM_001388244.1); and 18 more.
Identifiers: ClinVar variation 2638449 (VCV002638449.24), dbSNP rs372112375, ClinGen allele CA666994.